The following is an entry in ClinVar:

ClinVar aggregate classification (germline): Likely pathogenic. Review status: criteria provided, multiple submitters, no conflicts (2 of 4 stars). 2 submissions from 2 submitters: Likely pathogenic (2). Last evaluated 2026-08-20.

Conditions:
ARID1B-Related Disorder. Identifiers: MedGen CN381337.

Submissions (2):

PreventionGenetics, part of Exact Sciences
Classification: Likely pathogenic for ARID1B-related condition. Last evaluated: 2026-08-20. Review status: criteria provided, single submitter. Criteria: ACMG Guidelines, 2015. Collection method: clinical testing. Allele origin: germline.
Comment: The ARID1B c.1311C>A variant is predicted to result in premature protein termination (p.Tyr437*). To our knowledge, this variant has not been reported in the literature or in a large population database (gnomAD), indicating this variant is rare. Nonsense variants in ARID1B are expected to be pathogenic. This variant is interpreted as likely pathogenic.

Blueprint Genetics
Classification: Likely pathogenic for ARID1B-related disorders. Last evaluated: 2022-01-14. Review status: criteria provided, single submitter. Criteria: ACMG Guidelines, 2015. Collection method: clinical testing. Allele origin: germline. Affected: yes. Observed: 1 variant allele.

NM_001374828.1(ARID1B):c.1560C>A (p.Tyr520Ter)

Gene: ARID1B (AT-rich interaction domain 1B; plus strand). Cytogenetic location: 6q25.3.
Variant type: single nucleotide variant.
Coding change: c.1560C>A on transcript NM_001374828.1 (MANE Select); coding-DNA position 1560, C replaced by A.
Protein change: p.Tyr520Ter; replaces tyrosine 520 with a stop codon.
Molecular consequence: nonsense.
Genome position (GRCh38, 1-based): chr6:156,779,240, C>A. VCF-style: chr6-156779240-C-A. GRCh37 (hg19) VCF-style: chr6-157100374-C-A.
Other names: c.1311C>A (NM_020732.3); c.1560C>A, p.Tyr520Ter (NM_001371656.1, NM_001374820.1, NM_001438482.1 and 9 more transcripts); short protein forms Y520*.
Identifiers: ClinVar variation 4894606 (VCV004894606.2).